The following is an entry in ClinVar:

NM_194248.3(OTOF):c.5892G>A (p.Trp1964Ter)

Gene: OTOF (otoferlin; minus strand). Cytogenetic location: 2p23.3.
Variant type: single nucleotide variant.
Coding change: c.5892G>A on transcript NM_194248.3 (MANE Select); coding-DNA position 5892, G replaced by A.
Protein change: p.Trp1964Ter; replaces tryptophan 1964 with a stop codon.
Molecular consequence: nonsense. On other transcripts: intron variant (2).
Genome position (GRCh38, 1-based): chr2:26,460,127, C>T on the plus strand (G>A on the coding strand, the complement: OTOF is on the minus strand). VCF-style: chr2-26460127-C-T. GRCh37 (hg19) VCF-style: chr2-26682995-C-T.
Other names: c.3591G>A, p.Trp1197Ter (NM_004802.4); c.3822G>A, p.Trp1274Ter (NM_194322.3); c.5813+520G>A (NM_001287489.2); c.3512+520G>A (NM_194323.3); short protein forms W1274*, W1197*, W1964*.
Identifiers: ClinVar variation 2972996 (VCV002972996.3), dbSNP rs757642790, ClinGen allele CA346127703.
Genomic context (GRCh38, chr2:26,460,127, plus strand): 5'-GTAGAGGAACAGGGCGAGGAGGAGGAGCAGCAGCAGGAGCAGCAACAGTTTGAGGAGCAG[C>T]CAGCGATACGTGTGCCACAAGAAGTAGCGAGCCGACTTGAGAGGGTTCAGGAACCAGATG-3'

ClinVar aggregate classification (germline): Pathogenic (1 of 4 stars; one submission).

Allele frequency attached by ClinVar (database versions not stated): TOPMed below 0.00001.
gnomAD v4.1: 5 of 1,596,848 alleles (0.00031%); highest among the groups gnomAD compares: Non-Finnish European, 0.00043%; no homozygotes.

Submission:

Labcorp Genetics (formerly Invitae), Labcorp
Classification: Pathogenic. Last evaluated: 2024-02-16. Review status: criteria provided, single submitter. Criteria: Invitae Variant Classification Sherloc (09022015). Collection method: clinical testing. Allele origin: germline.
Comment: This sequence change creates a premature translational stop signal (p.Trp1964*) in the OTOF gene. It is expected to result in an absent or disrupted protein product. Loss-of-function variants in OTOF are known to be pathogenic (PMID: 18381613, 19250381, 22575033). This variant is not present in population databases (gnomAD no frequency). This variant has not been reported in the literature in individuals affected with OTOF-related conditions. Algorithms developed to predict the effect of sequence changes on RNA splicing suggest that this variant may disrupt the consensus splice site. For these reasons, this variant has been classified as Pathogenic.

Literature cited by the submitters: PubMed 18381613; PubMed 19250381; PubMed 22575033.